The following is an entry in ClinVar:

NM_001365536.1(SCN9A):c.3314A>C (p.Glu1105Ala)

Genes: SCN1A-AS1 (SCN1A and SCN9A antisense RNA 1; plus strand), SCN9A (sodium voltage-gated channel alpha subunit 9; minus strand). Cytogenetic location: 2q24.3.
Variant type: single nucleotide variant.
Coding change: c.3314A>C on transcript NM_001365536.1 (MANE Select); coding-DNA position 3314, A replaced by C.
Protein change: p.Glu1105Ala; replaces glutamic acid 1105 with alanine.
Molecular consequence: missense variant.
Genome position (GRCh38, 1-based): chr2:166,272,436, T>G on the plus strand (A>C on the coding strand, the complement: SCN9A is on the minus strand). VCF-style: chr2-166272436-T-G. GRCh37 (hg19) VCF-style: chr2-167128946-T-G.
Other names: c.3281A>C, p.Glu1094Ala (NM_002977.4); short protein forms E1094A, E1105A.
Identifiers: ClinVar variation 849591 (VCV000849591.10), dbSNP rs1697034776, ClinGen allele CA349072557.

ClinVar aggregate classification (germline): Uncertain significance (1 of 4 stars; one submission).

Conditions:
Neuropathy, hereditary sensory and autonomic, type 2A (HSAN2A). Also called: ACROOSTEOLYSIS, GIACCAI TYPE; ACROOSTEOLYSIS, NEUROGENIC; HSAN IIA; NEUROPATHY, HEREDITARY SENSORY, TYPE IIA; NEUROPATHY, PROGRESSIVE SENSORY, OF CHILDREN; WNK1-Related HSAN2 (HSAN2A). Identifiers: Orphanet 970, MedGen C2752089, MONDO:0024309, OMIM 201300.
Generalized epilepsy with febrile seizures plus, type 7 (GEFSP7). Also called: GEFS+, TYPE 7. Identifiers: Orphanet 36387, MedGen C2751778, MONDO:0013470, OMIM 613863.

Submission:

Labcorp Genetics (formerly Invitae), Labcorp
Classification: Uncertain significance for Neuropathy, hereditary sensory and autonomic, type 2A; Generalized epilepsy with febrile seizures plus, type 7. Last evaluated: 2019-11-26. Review status: criteria provided, single submitter. Criteria: Invitae Variant Classification Sherloc (09022015). Collection method: clinical testing. Allele origin: germline.
Comment: This sequence change replaces glutamic acid with alanine at codon 1094 of the SCN9A protein (p.Glu1094Ala). The glutamic acid residue is highly conserved and there is a moderate physicochemical difference between glutamic acid and alanine. This variant is not present in population databases (ExAC no frequency). This variant has not been reported in the literature in individuals with SCN9A-related conditions. Algorithms developed to predict the effect of missense changes on protein structure and function are either unavailable or do not agree on the potential impact of this missense change (SIFT: "Tolerated"; PolyPhen-2: "Possibly Damaging"; Align-GVGD: "Class C0"). In summary, the available evidence is currently insufficient to determine the role of this variant in disease. Therefore, it has been classified as a Variant of Uncertain Significance.